The following is an entry in ClinVar:

NM_030962.4(SBF2):c.2610G>A (p.Lys870=)

Genes: SBF2 (SET binding factor 2; minus strand), LOC101928008 (uncharacterized LOC101928008; plus strand). Cytogenetic location: 11p15.4.
Variant type: single nucleotide variant.
Coding change: c.2610G>A on transcript NM_030962.4 (MANE Select); coding-DNA position 2610, G replaced by A.
Protein change: p.Lys870=; no amino-acid change (lysine 870 retained).
Molecular consequence: synonymous variant.
Genome position (GRCh38, 1-based): chr11:9,852,676, C>T on the plus strand (G>A on the coding strand, the complement: SBF2 is on the minus strand). VCF-style: chr11-9852676-C-T. GRCh37 (hg19) VCF-style: chr11-9874223-C-T.
Other names: c.2610G>A, p.Lys870= (NM_001386339.1); c.2481G>A, p.Lys827= (NM_001386342.1); c.2646G>A, p.Lys882= (NM_001424318.1, NM_001425069.1, NM_001425070.1).
Identifiers: ClinVar variation 2698122 (VCV002698122.3), dbSNP rs2494856662, ClinGen allele CA473075883.

ClinVar aggregate classification (germline): Uncertain significance (1 of 4 stars; one submission).

Conditions:
Charcot-Marie-Tooth disease type 4. Also called: Charcot-Marie-Tooth disease, type IV; Charcot-Marie-Tooth, Type 4. Identifiers: Orphanet 64749, MedGen C4082197, MONDO:0018995.

Submission:

Labcorp Genetics (formerly Invitae), Labcorp
Classification: Uncertain significance for Charcot-Marie-Tooth disease type 4. Last evaluated: 2024-11-11. Review status: criteria provided, single submitter. Criteria: Invitae Variant Classification Sherloc (09022015). Collection method: clinical testing. Allele origin: germline.
Comment: This sequence change affects codon 870 of the SBF2 mRNA. It is a 'silent' change, meaning that it does not change the encoded amino acid sequence of the SBF2 protein. This variant also falls at the last nucleotide of exon 21, which is part of the consensus splice site for this exon. This variant is not present in population databases (gnomAD no frequency). This variant has been observed in individual(s) with Charcot-Marie-Tooth disease (internal data). ClinVar contains an entry for this variant (Variation ID: 2698122). Variants that disrupt the consensus splice site are a relatively common cause of aberrant splicing (PMID: 17576681, 9536098). Algorithms developed to predict the effect of sequence changes on RNA splicing suggest that this variant may disrupt the consensus splice site. In summary, the available evidence is currently insufficient to determine the role of this variant in disease. Therefore, it has been classified as a Variant of Uncertain Significance.

Literature cited by the submitters: PubMed 17576681; PubMed 9536098.